The following is an entry in ClinVar:

ClinVar aggregate classification (germline): Uncertain significance (1 of 4 stars; one submission).

Allele frequency attached by ClinVar (database versions not stated): gnomAD exomes 0.00001 and 0.00004; ExAC 0.00002; gnomAD 0.00003; TOPMed 0.00003.
gnomAD v4.1: 63 of 1,609,646 alleles (0.0039%); highest among the groups gnomAD compares: Non-Finnish European, 0.0053%; no homozygotes.

Submission:

Labcorp Genetics (formerly Invitae), Labcorp
Classification: Uncertain significance. Last evaluated: 2021-10-29. Review status: criteria provided, single submitter. Criteria: Invitae Variant Classification Sherloc (09022015). Collection method: clinical testing. Allele origin: germline.
Comment: This sequence change replaces arginine, which is basic and polar, with tryptophan, which is neutral and slightly polar, at codon 1997 of the MYO18B protein (p.Arg1997Trp). The frequency data for this variant in the population databases is considered unreliable, as metrics indicate poor data quality at this position in the gnomAD database. This variant has not been reported in the literature in individuals affected with MYO18B-related conditions. Algorithms developed to predict the effect of missense changes on protein structure and function are either unavailable or do not agree on the potential impact of this missense change (SIFT: "Not Available"; PolyPhen-2: "Probably Damaging"; Align-GVGD: "Not Available"). In summary, the available evidence is currently insufficient to determine the role of this variant in disease. Therefore, it has been classified as a Variant of Uncertain Significance.

NM_032608.7(MYO18B):c.5989C>T (p.Arg1997Trp)

Gene: MYO18B (myosin XVIIIB; plus strand). Cytogenetic location: 22q12.1.
Variant type: single nucleotide variant.
Coding change: c.5989C>T on transcript NM_032608.7 (MANE Select); coding-DNA position 5989, C replaced by T.
Protein change: p.Arg1997Trp; replaces arginine 1997 with tryptophan.
Molecular consequence: missense variant.
Genome position (GRCh38, 1-based): chr22:25,955,197, C>T. VCF-style: chr22-25955197-C-T. GRCh37 (hg19) VCF-style: chr22-26351163-C-T.
Other names: c.5992C>T, p.Arg1998Trp (NM_001318245.2); short protein forms R1997W, R1998W.
Identifiers: ClinVar variation 1444970 (VCV001444970.3), dbSNP rs765093050, ClinGen allele CA10161365.